The following is an entry in ClinVar:

ClinVar aggregate classification (germline): Pathogenic (1 of 4 stars; one submission).

Conditions:
Hereditary cancer-predisposing syndrome. Also called: Hereditary neoplastic syndrome; Hereditary Cancer Syndrome; Neoplastic Syndromes, Hereditary; Tumor predisposition. Identifiers: Orphanet 140162, MedGen C0027672, MeSH D009386, MONDO:0015356.

Submission:

Ambry Genetics
Classification: Pathogenic for Hereditary cancer-predisposing syndrome. Last evaluated: 2023-05-23. Review status: criteria provided, single submitter. Criteria: Ambry Variant Classification Scheme 2023. Collection method: clinical testing. Allele origin: germline.
Comment: The c.1078_1079delTT pathogenic mutation, located in coding exon 9 of the APC gene, results from a deletion of two nucleotides at nucleotide positions 1078 to 1079, causing a translational frameshift with a predicted alternate stop codon (p.L360Tfs*4). This alteration has been observed in at least one individual with a personal and/or family history that is consistent with APC-related disease (Ambry internal data). This variant is considered to be rare based on population cohorts in the Genome Aggregation Database (gnomAD). This alteration is expected to result in loss of function by premature protein truncation or nonsense-mediated mRNA decay. As such, this alteration is interpreted as a disease-causing mutation.

NM_000038.6(APC):c.1078_1079del (p.Leu360fs)

Gene: APC (APC regulator of Wnt signaling pathway; plus strand). Cytogenetic location: 5q22.2.
Variant type: Deletion.
Coding change: c.1078_1079del on transcript NM_000038.6 (MANE Select); coding-DNA positions 1078 to 1079, 2 bases deleted (TT; older notation c.1078_1079delTT).
Protein change: p.Leu360fs; shifts the reading frame from leucine 360.
Molecular consequence: frameshift variant. On other transcripts: non-coding transcript variant (2), intron variant (15).
Genome position (GRCh38, 1-based): chr5:112,819,110-112,819,111, TT deleted; deleting any 2 consecutive bases within chr5:112,819,108-112,819,111 gives the same sequence; the c. name uses the placement nearest the transcript's 3' end. VCF-style (leftmost placement, unchanged base first): chr5-112819107-CTT-C. GRCh37 (hg19) VCF-style: chr5-112154804-CTT-C.
Other names: c.1078_1079del, p.Leu360fs (NM_001127510.3, NM_001354895.2, NM_001354896.2 and 4 more transcripts); c.1024_1025del, p.Leu342fs (NM_001127511.3); c.1108_1109del, p.Leu370fs (NM_001354897.2, NM_001407446.1); c.1003_1004del, p.Leu335fs (NM_001354898.2, NM_001407451.1); c.994_995del, p.Leu332fs (NM_001354899.2, NM_001407452.1); c.901_902del, p.Leu301fs (NM_001354900.2, NM_001354901.2, NM_001407453.1); c.229_230del, p.Leu77fs (NM_001354906.2, NM_001407470.1); c.85-159_85-158del (NM_001407472.1, NM_001407471.1); and 5 more; short protein forms L332fs, L342fs, L360fs, L370fs, L77fs, L301fs, L335fs.
Identifiers: ClinVar variation 2567022 (VCV002567022.2), dbSNP rs2533043904, ClinGen allele CA2580612768.